The following is an entry in ClinVar:

ClinVar aggregate classification (germline): Uncertain significance (1 of 4 stars; one submission).

Conditions:
Cardiomyopathy (CMYO). Also called: Cardiomyopathies. Identifiers: Orphanet 167848, MedGen C0878544, MONDO:0004994, HP:0001638. Inheritance: Various modes of inheritance.

Submission:

Color Diagnostics, LLC DBA Color Health
Classification: Uncertain significance for Cardiomyopathy. Last evaluated: 2024-02-22. Review status: criteria provided, single submitter. Criteria: ACMG Guidelines, 2015. Collection method: clinical testing. Allele origin: germline.
Comment: This missense variant replaces phenylalanine with valine at codon 552 of the PKP2 protein. Computational prediction suggests that this variant may not impact protein structure and function (internally defined REVEL score threshold <= 0.5, PMID: 27666373). To our knowledge, functional studies have not been reported for this variant. This variant has not been reported in individuals affected with PKP2-related disorders in the literature. This variant has not been identified in the general population by the Genome Aggregation Database (gnomAD). The available evidence is insufficient to determine the role of this variant in disease conclusively. Therefore, this variant is classified as a Variant of Uncertain Significance.

NM_001005242.3(PKP2):c.1522T>G (p.Phe508Val)

Gene: PKP2 (plakophilin 2; minus strand). Cytogenetic location: 12p11.21.
Variant type: single nucleotide variant.
Coding change: c.1522T>G on transcript NM_001005242.3 (MANE Select); coding-DNA position 1522, T replaced by G.
Protein change: p.Phe508Val; replaces phenylalanine 508 with valine.
Molecular consequence: missense variant.
Genome position (GRCh38, 1-based): chr12:32,841,062, A>C on the plus strand (T>G on the coding strand, the complement: PKP2 is on the minus strand). VCF-style: chr12-32841062-A-C. GRCh37 (hg19) VCF-style: chr12-32993996-A-C.
Other names: c.1522T>G, p.Phe508Val (NM_001407155.1, NM_001407156.1, NM_001407161.1); c.1654T>G, p.Phe552Val (NM_001407157.1, NM_004572.4); c.1195T>G, p.Phe399Val (NM_001407158.1, NM_001407159.1, NM_001407160.1 and 1 more transcripts); short protein forms F399V, F508V, F552V.
Identifiers: ClinVar variation 3894486 (VCV003894486.1).